The following is an entry in ClinVar:

ClinVar aggregate classification (germline): Uncertain significance (1 of 4 stars; one submission).

Allele frequency attached by ClinVar (database versions not stated): TOPMed 0.00001.
gnomAD v4.1: 2 of 1,612,342 alleles (0.00012%); highest among the groups gnomAD compares: Non-Finnish European, 0.00017%; no homozygotes.

Submission:

Labcorp Genetics (formerly Invitae), Labcorp
Classification: Uncertain significance. Last evaluated: 2023-03-14. Review status: criteria provided, single submitter. Criteria: Invitae Variant Classification Sherloc (09022015). Collection method: clinical testing. Allele origin: germline.
Comment: This sequence change replaces histidine, which is basic and polar, with tyrosine, which is neutral and polar, at codon 313 of the CLTC protein (p.His313Tyr). This variant is not present in population databases (gnomAD no frequency). This variant has not been reported in the literature in individuals affected with CLTC-related conditions. Advanced modeling of protein sequence and biophysical properties (such as structural, functional, and spatial information, amino acid conservation, physicochemical variation, residue mobility, and thermodynamic stability) performed at Invitae indicates that this missense variant is not expected to disrupt CLTC protein function. In summary, the available evidence is currently insufficient to determine the role of this variant in disease. Therefore, it has been classified as a Variant of Uncertain Significance.

NM_004859.4(CLTC):c.925C>T (p.His309Tyr)

Gene: CLTC (clathrin heavy chain; plus strand). Cytogenetic location: 17q23.1.
Variant type: single nucleotide variant.
Coding change: c.925C>T on transcript NM_004859.4 (MANE Select); coding-DNA position 925, C replaced by T.
Protein change: p.His309Tyr; replaces histidine 309 with tyrosine.
Molecular consequence: missense variant.
Genome position (GRCh38, 1-based): chr17:59,655,983, C>T. VCF-style: chr17-59655983-C-T. GRCh37 (hg19) VCF-style: chr17-57733344-C-T.
Other names: c.937C>T, p.His313Tyr (NM_001288653.2); short protein forms H309Y, H313Y.
Identifiers: ClinVar variation 3001721 (VCV003001721.3), dbSNP rs1446971777, ClinGen allele CA400423170.